The following is an entry in ClinVar:

ClinVar aggregate classification (germline): Uncertain significance (1 of 4 stars; one submission).

Submission:

Labcorp Genetics (formerly Invitae), Labcorp
Classification: Uncertain significance. Last evaluated: 2023-07-21. Review status: criteria provided, single submitter. Criteria: Invitae Variant Classification Sherloc (09022015). Collection method: clinical testing. Allele origin: germline.
Comment: This sequence change replaces asparagine, which is neutral and polar, with aspartic acid, which is acidic and polar, at codon 466 of the FAT4 protein (p.Asn466Asp). This variant is not present in population databases (gnomAD no frequency). This variant has not been reported in the literature in individuals affected with FAT4-related conditions. ClinVar contains an entry for this variant (Variation ID: 2044182). Advanced modeling of protein sequence and biophysical properties (such as structural, functional, and spatial information, amino acid conservation, physicochemical variation, residue mobility, and thermodynamic stability) performed at Invitae indicates that this missense variant is not expected to disrupt FAT4 protein function. In summary, the available evidence is currently insufficient to determine the role of this variant in disease. Therefore, it has been classified as a Variant of Uncertain Significance.

NM_001291303.3(FAT4):c.1396A>G (p.Asn466Asp)

Gene: FAT4 (FAT atypical cadherin 4; plus strand). Cytogenetic location: 4q28.1.
Variant type: single nucleotide variant.
Coding change: c.1396A>G on transcript NM_001291303.3 (MANE Select); coding-DNA position 1396, A replaced by G.
Protein change: p.Asn466Asp; replaces asparagine 466 with aspartic acid.
Molecular consequence: missense variant.
Genome position (GRCh38, 1-based): chr4:125,317,807, A>G. VCF-style: chr4-125317807-A-G. GRCh37 (hg19) VCF-style: chr4-126238962-A-G.
Other names: c.1396A>G, p.Asn466Asp (NM_001291285.3, NM_024582.6); short protein forms N466D.
Identifiers: ClinVar variation 2044182 (VCV002044182.4), dbSNP rs2530427734, ClinGen allele CA358117806.